The following is an entry in ClinVar:

NM_006494.4(ERF):c.41G>A (p.Trp14Ter)

Gene: ERF (ETS2 repressor factor; minus strand). Cytogenetic location: 19q13.2.
Variant type: single nucleotide variant.
Coding change: c.41G>A on transcript NM_006494.4 (MANE Select); coding-DNA position 41, G replaced by A.
Protein change: p.Trp14Ter; replaces tryptophan 14 with a stop codon.
Molecular consequence: nonsense. On other transcripts: 5 prime UTR variant (3).
Genome position (GRCh38, 1-based): chr19:42,250,547, C>T on the plus strand (G>A on the coding strand, the complement: ERF is on the minus strand). VCF-style: chr19-42250547-C-T. GRCh37 (hg19) VCF-style: chr19-42754699-C-T.
Other names: c.-185G>A (NM_001301035.2, NM_001308402.2, NM_001312656.2); short protein forms W14*.
Identifiers: ClinVar variation 1031051 (VCV001031051.2), dbSNP rs2036427390, ClinGen allele CA406116026.

ClinVar aggregate classification (germline): Likely pathogenic. Review status: criteria provided, multiple submitters, no conflicts (2 of 4 stars). 2 submissions from 2 submitters: Likely pathogenic (2). Last evaluated 2024-01-01.

Conditions:
Lambdoidal craniosynostosis. Identifiers: MedGen C1833340, HP:0004443.
ERF-related disorder. Also called: ERF-related condition; ERF-related disorders.

Submissions (2):

Daryl Scott Lab, Baylor College of Medicine
Classification: Likely pathogenic for ERF-related disorder. Last evaluated: 2024-01-01. Review status: criteria provided, single submitter. Criteria: ACMG Guidelines, 2015. Collection method: clinical testing. Allele origin: unknown. Affected: yes. Observed: 1 heterozygote.
Comment: PVS1, PM2, PP3

Baylor Genetics
Classification: Likely pathogenic for Craniosynostosis 4. Last evaluated: 2020-08-27. Review status: criteria provided, single submitter. Criteria: ACMG Guidelines, 2015. Collection method: clinical testing. Allele origin: unknown. Affected: yes.
Comment: This variant was determined to be likely pathogenic according to ACMG Guidelines, 2015 [PMID:25741868].